The following is an entry in ClinVar:

NM_000455.5(STK11):c.464+8del

Gene: STK11 (serine/threonine kinase 11; plus strand). Cytogenetic location: 19p13.3.
Variant type: Deletion.
Coding change: c.464+8del on transcript NM_000455.5 (MANE Select); 8 bases into the intron after coding-DNA position 464, one base deleted (C; older notation c.464+8delC).
Molecular consequence: intron variant.
Genome position (GRCh38, 1-based): chr19:1,219,421, C deleted. VCF-style (leftmost placement, unchanged base first): chr19-1219420-GC-G. GRCh37 (hg19) VCF-style: chr19-1219419-GC-G.
Other names: c.464+8delC (NM_000455.4, NM_000455.5).
Identifiers: ClinVar variation 237802 (VCV000237802.20), dbSNP rs878853989, ClinGen allele CA10583785.

ClinVar aggregate classification (germline): Conflicting classifications of pathogenicity. Review status: criteria provided, conflicting classifications (1 of 4 stars). 6 submissions from 6 submitters: Uncertain significance (2); Likely benign (4). Last evaluated 2025-11-24.

Conditions:
Hereditary cancer-predisposing syndrome. Also called: Tumor predisposition; Hereditary Cancer Syndrome; Hereditary neoplastic syndrome; Neoplastic Syndromes, Hereditary. Identifiers: Orphanet 140162, MedGen C0027672, MeSH D009386, MONDO:0015356.
Peutz-Jeghers syndrome (PJS). Also called: POLYPOSIS, HAMARTOMATOUS INTESTINAL; POLYPS-AND-SPOTS SYNDROME; Peutz-Jeghers polyposis; Periorificial lentiginosis syndrome. Identifiers: Orphanet 2869, MedGen C0031269, MeSH D010580, MONDO:0008280, OMIM 175200.

Allele frequency attached by ClinVar (database versions not stated): gnomAD exomes below 0.00001 and 0.00001; gnomAD 0.00001; TOPMed 0.00001; 1000 Genomes Project 30x 0.00031.

Submissions (6):

Labcorp Genetics (formerly Invitae), Labcorp
Classification: Likely benign for Peutz-Jeghers syndrome. Last evaluated: 2025-11-24. Review status: criteria provided, single submitter. Criteria: Invitae Variant Classification Sherloc (09022015). Collection method: clinical testing. Allele origin: germline.

Quest Diagnostics Nichols Institute San Juan Capistrano
Classification: Uncertain significance. Last evaluated: 2025-05-21. Review status: criteria provided, single submitter. Criteria: Quest Diagnostics criteria. Collection method: clinical testing. Allele origin: unknown.
Comment: The STK11 c.464+8del variant has not been reported in individuals with STK11-related conditions in the published literature. The frequency of this variant in the general population (Genome Aggregation Database) is uninformative in the assessment of its pathogenicity. Analysis of this variant using software algorithms for the prediction of the effect of nucleotide changes on splicing yielded predictions that this variant does not affect STK11 mRNA splicing. Based on the available information, we are unable to determine the clinical significance of this variant.

Women's Health and Genetics/Laboratory Corporation of America, LabCorp
Classification: Likely benign. Last evaluated: 2025-04-29. Review status: criteria provided, single submitter. Criteria: LabCorp Variant Classification Summary - May 2015. Collection method: clinical testing. Allele origin: germline.
Comment: Variant summary: STK11 c.464+8delC alters a non-conserved nucleotide located at a position not widely known to affect splicing. Consensus agreement among computation tools predict no significant impact on normal splicing. However, these predictions have yet to be confirmed by functional studies. The variant allele was found at a frequency of 1.1e-05 in 183100 control chromosomes. The available data on variant occurrences in the general population are insufficient to allow any conclusion about variant significance. To our knowledge, no occurrence of c.464+8delC in individuals affected with Peutz-Jeghers Syndrome and no experimental evidence demonstrating its impact on protein function have been reported. ClinVar contains an entry for this variant (Variation ID: 237802). Based on the evidence outlined above, the variant was classified as likely benign.

Myriad Genetics, Inc.
Classification: Likely benign for Peutz-Jeghers syndrome. Last evaluated: 2025-03-26. Review status: criteria provided, single submitter. Criteria: Myriad Autosomal Dominant, Autosomal Recessive and X-Linked Classification Criteria (2023). Collection method: clinical testing. Allele origin: unknown.
Comment: This variant is considered likely benign. This variant is intronic and is not expected to impact mRNA splicing.

Genome-Nilou Lab
Classification: Likely benign for Peutz-Jeghers syndrome. Last evaluated: 2021-07-15. Review status: criteria provided, single submitter. Criteria: ACMG Guidelines, 2015. Collection method: clinical testing. Allele origin: germline. Affected: no.

Color Diagnostics, LLC DBA Color Health
Classification: Uncertain significance for Hereditary cancer-predisposing syndrome. Last evaluated: 2019-08-01. Review status: criteria provided, single submitter. Criteria: ACMG Guidelines, 2015. Collection method: clinical testing. Allele origin: germline.
Comment: This variant deletes a nucleotide at the +8 position of intron 3 of the STK11 gene. Splice site prediction tools are inconclusive regarding the impact of this variant on RNA splicing. To our knowledge, functional assays have not been performed for this variant nor has this variant been reported in individuals affected with hereditary cancer in the literature. This variant has been identified in 2/183100 chromosomes in the general population by the Genome Aggregation Database (gnomAD). Available evidence is insufficient to determine the role of this variant in disease conclusively. Therefore, this variant is classified as a Variant of Uncertain Significance.